The following is an entry in ClinVar:

ClinVar aggregate classification (germline): Conflicting classifications of pathogenicity. Review status: criteria provided, conflicting classifications (1 of 4 stars). 4 submissions from 4 submitters: Uncertain significance (3); Likely benign (1). Last evaluated 2025-09-25.

Conditions:
Catecholaminergic polymorphic ventricular tachycardia 1. Also called: RYR2-Related Catecholaminergic Polymorphic Ventricular Tachycardia; VENTRICULAR TACHYCARDIA, CATECHOLAMINERGIC POLYMORPHIC, 1, WITH OR WITHOUT ATRIAL DYSFUNCTION AND/OR DILATED CARDIOMYOPATHY; VENTRICULAR TACHYCARDIA, STRESS-INDUCED POLYMORPHIC 1. Identifiers: Orphanet 3286, MedGen C1631597, MONDO:0011484, OMIM 604772.
Cardiovascular phenotype. Identifiers: MedGen CN230736.
Cardiomyopathy (CMYO). Also called: Cardiomyopathies. Identifiers: Orphanet 167848, MedGen C0878544, MONDO:0004994, HP:0001638. Inheritance: Various modes of inheritance.

Allele frequency attached by ClinVar (database versions not stated): ExAC 0.00001; gnomAD 0.00001; gnomAD exomes 0.00001 and below 0.00001; TOPMed 0.00001.
gnomAD v4.1: 21 of 1,572,054 alleles (0.0013%); highest among the groups gnomAD compares: Non-Finnish European, 0.0017%; no homozygotes.

Submissions (4):

Labcorp Genetics (formerly Invitae), Labcorp
Classification: Uncertain significance for Catecholaminergic polymorphic ventricular tachycardia 1. Last evaluated: 2025-09-25. Review status: criteria provided, single submitter. Criteria: Invitae Variant Classification Sherloc (09022015). Collection method: clinical testing. Allele origin: germline.
Comment: This sequence change falls in intron 78 of the RYR2 gene. It does not directly change the encoded amino acid sequence of the RYR2 protein. It affects a nucleotide within the consensus splice site. The frequency data for this variant in the population databases is considered unreliable, as metrics indicate poor data quality at this position in the gnomAD database. This variant has not been reported in the literature in individuals affected with RYR2-related conditions. ClinVar contains an entry for this variant (Variation ID: 1022227). Variants that disrupt the consensus splice site are a relatively common cause of aberrant splicing (PMID: 17576681, 9536098). Algorithms developed to predict the effect of sequence changes on RNA splicing suggest that this variant is not likely to affect RNA splicing. In summary, the available evidence is currently insufficient to determine the role of this variant in disease. Therefore, it has been classified as a Variant of Uncertain Significance.

Color Diagnostics, LLC DBA Color Health
Classification: Uncertain significance for Cardiomyopathy. Last evaluated: 2025-07-10. Review status: criteria provided, single submitter. Criteria: ACMG Guidelines, 2015. Collection method: clinical testing. Allele origin: germline.
Comment: This variant causes a G to A nucleotide substitution at the +6 position of intron 78 of the RYR2 gene. To our knowledge, functional studies have not been reported for this variant. This variant has not been reported in individuals affected with RYR2-related disorders in the literature. This variant has been identified in 1/246292 chromosomes in the general population by the Genome Aggregation Database (gnomAD). The available evidence is insufficient to determine the role of this variant in disease conclusively. Therefore, this variant is classified as a Variant of Uncertain Significance.

Mayo Clinic Laboratories, Mayo Clinic
Classification: Likely benign. Last evaluated: 2025-05-13. Review status: criteria provided, single submitter. Criteria: ACMG Guidelines, 2015. Collection method: clinical testing. Allele origin: germline. Observed: 1 variant allele.
Comment: BP4, BP7, PM2_supporting

Ambry Genetics
Classification: Uncertain significance for Cardiovascular phenotype. Last evaluated: 2023-12-29. Review status: criteria provided, single submitter. Criteria: Ambry Variant Classification Scheme 2023. Collection method: clinical testing. Allele origin: germline.
Comment: The c.11039+6G>A intronic alteration consists of a G to A substitution 6 nucleotides after coding exon 78 in the RYR2 gene. Based on insufficient or conflicting evidence, the clinical significance of this alteration remains unclear.

Literature cited by the submitters: PubMed 17576681 (cited by Labcorp Genetics (formerly Invitae), Labcorp); PubMed 9536098 (cited by Labcorp Genetics (formerly Invitae), Labcorp).

NM_001035.3(RYR2):c.11039+6G>A

Gene: RYR2 (ryanodine receptor 2; plus strand). Cytogenetic location: 1q43.
Variant type: single nucleotide variant.
Coding change: c.11039+6G>A on transcript NM_001035.3 (MANE Select); 6 bases into the intron after coding-DNA position 11039, G replaced by A.
Molecular consequence: intron variant.
Genome position (GRCh38, 1-based): chr1:237,732,155, G>A. VCF-style: chr1-237732155-G-A. GRCh37 (hg19) VCF-style: chr1-237895455-G-A.
Other names: p.?; c.11039+6G>A (NM_001035.2).
Identifiers: ClinVar variation 1022227 (VCV001022227.52), dbSNP rs779549361, ClinGen allele CA084670.
Genomic context (GRCh38, chr1:237,732,155, plus strand): 5'-ATCCTCTACATCAGCTGATCCTTCTGTTTAGTCGGACAGCTTTAACAGAGAAATGGTATG[G>A]TTGGGAGGGTTCCTATGAGACATAGGAGGAGCAAATAAAGACACCCGTGTCTGAGTATTC-3'